The following is an entry in ClinVar:

NM_019109.5(ALG1):c.743C>G (p.Ser248Ter)

Gene: ALG1 (ALG1 chitobiosyldiphosphodolichol beta-mannosyltransferase; plus strand). Cytogenetic location: 16p13.3.
Variant type: single nucleotide variant.
Coding change: c.743C>G on transcript NM_019109.5 (MANE Select); coding-DNA position 743, C replaced by G.
Protein change: p.Ser248Ter; replaces serine 248 with a stop codon.
Molecular consequence: nonsense.
Genome position (GRCh38, 1-based): chr16:5,078,759, C>G. VCF-style: chr16-5078759-C-G. GRCh37 (hg19) VCF-style: chr16-5128760-C-G.
Other names: c.410C>G, p.Ser137Ter (NM_001330504.2); short protein forms S248*, S137*.
Identifiers: ClinVar variation 2759859 (VCV002759859.3), dbSNP rs1956960386, ClinGen allele CA394681676.

ClinVar aggregate classification (germline): Pathogenic (1 of 4 stars; one submission).

Conditions:
ALG1-congenital disorder of glycosylation. Also called: CONGENITAL DISORDER OF GLYCOSYLATION, TYPE Ik; CDG Ik; ALG1-CDG. Identifiers: Orphanet 79327, MedGen C2931005, MONDO:0012052, OMIM 608540.

Allele frequency attached by ClinVar (database versions not stated): gnomAD exomes below 0.00001; TOPMed below 0.00001.

Submission:

Labcorp Genetics (formerly Invitae), Labcorp
Classification: Pathogenic for ALG1-congenital disorder of glycosylation. Last evaluated: 2023-09-10. Review status: criteria provided, single submitter. Criteria: Invitae Variant Classification Sherloc (09022015). Collection method: clinical testing. Allele origin: germline.
Comment: This variant is not present in population databases (gnomAD no frequency). For these reasons, this variant has been classified as Pathogenic. This variant has not been reported in the literature in individuals affected with ALG1-related conditions. This sequence change creates a premature translational stop signal (p.Ser248*) in the ALG1 gene. It is expected to result in an absent or disrupted protein product. Loss-of-function variants in ALG1 are known to be pathogenic (PMID: 20679665, 23806237).

Literature cited by the submitters: PubMed 20679665; PubMed 23806237.